The following is an entry in ClinVar:

NM_006231.4(POLE):c.5C>T (p.Ser2Phe)

Genes: POLE (DNA polymerase epsilon, catalytic subunit; minus strand), LOC130009266 (ATAC-STARR-seq lymphoblastoid silent region 5123; plus strand). Cytogenetic location: 12q24.33.
Variant type: single nucleotide variant.
Coding change: c.5C>T on transcript NM_006231.4 (MANE Select); coding-DNA position 5, C replaced by T.
Protein change: p.Ser2Phe; replaces serine 2 with phenylalanine.
Molecular consequence: missense variant.
Genome position (GRCh38, 1-based): chr12:132,687,311, G>A on the plus strand (C>T on the coding strand, the complement: POLE is on the minus strand). VCF-style: chr12-132687311-G-A. GRCh37 (hg19) VCF-style: chr12-133263897-G-A.
Other names: c.5C>T (NM_006231.2); short protein forms S2F.
Identifiers: ClinVar variation 405897 (VCV000405897.14), dbSNP rs1060500890, ClinGen allele CA16613680.

ClinVar aggregate classification (germline): Conflicting classifications of pathogenicity. Review status: criteria provided, conflicting classifications (1 of 4 stars). 3 submissions from 3 submitters: Uncertain significance (2); Likely benign (1). Last evaluated 2025-11-05.

Conditions:
Hereditary cancer-predisposing syndrome. Also called: Hereditary Cancer Syndrome; Hereditary neoplastic syndrome; Neoplastic Syndromes, Hereditary; Tumor predisposition. Identifiers: Orphanet 140162, MedGen C0027672, MeSH D009386, MONDO:0015356.

gnomAD v4.1: 3 of 1,502,350 alleles (0.0002%); highest among the groups gnomAD compares: Non-Finnish European, 0.00027%; no homozygotes.

Submissions (3):

Labcorp Genetics (formerly Invitae), Labcorp
Classification: Uncertain significance. Last evaluated: 2025-11-05. Review status: criteria provided, single submitter. Criteria: Invitae Variant Classification Sherloc (09022015). Collection method: clinical testing. Allele origin: germline.
Comment: This sequence change replaces serine, which is neutral and polar, with phenylalanine, which is neutral and non-polar, at codon 2 of the POLE protein (p.Ser2Phe). This variant is not present in population databases (gnomAD no frequency). This variant has not been reported in the literature in individuals affected with POLE-related conditions. ClinVar contains an entry for this variant (Variation ID: 405897). Experimental studies and prediction algorithms are not available or were not evaluated, and the functional significance of this variant is currently unknown. In summary, the available evidence is currently insufficient to determine the role of this variant in disease. Therefore, it has been classified as a Variant of Uncertain Significance.

Ambry Genetics
Classification: Likely benign for Hereditary cancer-predisposing syndrome. Last evaluated: 2025-03-08. Review status: criteria provided, single submitter. Criteria: Ambry Variant Classification Scheme 2023. Collection method: clinical testing. Allele origin: germline.

GeneDx
Classification: Uncertain significance. Last evaluated: 2024-10-22. Review status: criteria provided, single submitter. Criteria: GeneDx Variant Classification Process June 2021. Collection method: clinical testing. Allele origin: germline. Affected: yes.
Comment: Not observed at significant frequency in large population cohorts (gnomAD); In silico analysis indicates that this missense variant does not alter protein structure/function; Has not been previously published as pathogenic or benign to our knowledge